The following is an entry in ClinVar:

ClinVar aggregate classification (germline): Benign. Review status: criteria provided, multiple submitters, no conflicts (2 of 4 stars). 6 submissions from 6 submitters: Benign (4). 2 of the submissions do not count toward it. Last evaluated 2026-02-01.

Conditions:
Acute intermittent porphyria (AIP). Also called: Acute Porphyria; Acute Intermittent Porphyria (AIP); Acute intermittent porphyria (autosomal dominant); PBGD DEFICIENCY; PORPHOBILINOGEN DEAMINASE DEFICIENCY; PORPHYRIA, SWEDISH TYPE. Identifiers: Orphanet 79276, MedGen C0162565, MONDO:0008294, OMIM 176000.
Hereditary coproporphyria (HCP). Also called: COPROPORPHYRINOGEN OXIDASE DEFICIENCY; CPO DEFICIENCY; CPOX DEFICIENCY; CPX DEFICIENCY; Hereditary coproporphyria porphyria; Porphyria hepatica coproporphyria. Identifiers: Orphanet 79273, MedGen C0162531, MONDO:0007369, OMIM 121300.

Allele frequency attached by ClinVar (database versions not stated): gnomAD 0.23331 and 0.24099; ESP Exome Variant Server 0.23835; gnomAD exomes 0.14401 and 0.16847; TOPMed 0.23723; 1000 Genomes Project 0.24581; ExAC 0.17413; 1000 Genomes Project 30x 0.24891.
gnomAD v4.1: 246,263 of 1,613,584 alleles (15%); highest among the groups gnomAD compares: African/African-American, 45%; 23,301 homozygotes.

Submissions (6):

Labcorp Genetics (formerly Invitae), Labcorp
Classification: Benign. Last evaluated: 2026-02-01. Review status: criteria provided, single submitter. Criteria: Invitae Variant Classification Sherloc (09022015). Collection method: clinical testing. Allele origin: germline.

Illumina Laboratory Services, Illumina
Classification: Benign for Hereditary coproporphyria. Last evaluated: 2018-03-06. Review status: criteria provided, single submitter. Criteria: ICSL Variant Classification Criteria 13 December 2019. Collection method: clinical testing. Allele origin: germline.
Comment: This variant was observed in the ICSL laboratory as part of a predisposition screen in an ostensibly healthy population. It had not been previously curated by ICSL or reported in the Human Gene Mutation Database (HGMD: prior to June 1st, 2018), and was therefore a candidate for classification through an automated scoring system. Utilizing variant allele frequency, disease prevalence and penetrance estimates, and inheritance mode, an automated score was calculated to assess if this variant is too frequent to cause the disease. Based on the score and internal cut-off values, a variant classified as benign is not then subjected to further curation. The score for this variant resulted in a classification of benign for this disease.

Clinical Genetics DNA and cytogenetics Diagnostics Lab, Erasmus MC, Erasmus Medical Center
Classification: Benign for Hereditary coproporphyria. Last evaluated: 2015-09-21. Review status: criteria provided, single submitter. Criteria: ACGS Guidelines, 2013. Collection method: clinical testing. Allele origin: germline. Affected: yes. Study: VKGL Data-share Consensus.

Breakthrough Genomics
Classification: Benign. Review status: criteria provided, single submitter. Criteria: ACMG Guidelines, 2015. Collection method: not provided. Allele origin: germline. Inheritance: Autosomal recessive inheritance. Affected: yes.

Clinical Genetics, Academic Medical Center
Classification: Benign. Review status: no assertion criteria provided. Collection method: clinical testing. Allele origin: germline. Affected: yes. Study: VKGL Data-share Consensus. Not counted in ClinVar's aggregate classification.

Diagnostic Laboratory, Department of Genetics, University Medical Center Groningen
Classification: Benign for Hereditary coproporphyria. Review status: no assertion criteria provided. Collection method: clinical testing. Allele origin: germline. Affected: yes. Study: VKGL Data-share Consensus. Not counted in ClinVar's aggregate classification.

NM_000097.7(CPOX):c.814A>C (p.Asn272His)

Gene: CPOX (coproporphyrinogen oxidase; minus strand). Cytogenetic location: 3q11.2.
Variant type: single nucleotide variant.
Coding change: c.814A>C on transcript NM_000097.7 (MANE Select); coding-DNA position 814, A replaced by C.
Protein change: p.Asn272His; replaces asparagine 272 with histidine.
Molecular consequence: missense variant.
Genome position (GRCh38, 1-based): chr3:98,588,852, T>G on the plus strand (A>C on the coding strand, the complement: CPOX is on the minus strand). VCF-style: chr3-98588852-T-G. GRCh37 (hg19) VCF-style: chr3-98307696-T-G.
Other names: c.814A>C, p.Asn272His (LRG_1077t1); short protein forms N272H.
Identifiers: ClinVar variation 346979 (VCV000346979.19), dbSNP rs1131857, ClinGen allele CA2511584.